The following is an entry in ClinVar:

NM_014855.3(AP5Z1):c.1549C>T (p.Leu517Phe)

Gene: AP5Z1 (adaptor related protein complex 5 subunit zeta 1; plus strand). Cytogenetic location: 7p22.1.
Variant type: single nucleotide variant.
Coding change: c.1549C>T on transcript NM_014855.3 (MANE Select); coding-DNA position 1549, C replaced by T.
Protein change: p.Leu517Phe; replaces leucine 517 with phenylalanine.
Molecular consequence: missense variant. On other transcripts: non-coding transcript variant (1).
Genome position (GRCh38, 1-based): chr7:4,788,248, C>T. VCF-style: chr7-4788248-C-T. GRCh37 (hg19) VCF-style: chr7-4827879-C-T.
Other names: c.1081C>T, p.Leu361Phe (NM_001364858.1); short protein forms L361F, L517F.
Identifiers: ClinVar variation 1806772 (VCV001806772.1), dbSNP rs755415916, ClinGen allele CA4137864.
Genomic context (GRCh38, chr7:4,788,248, plus strand): 5'-GACACCTCTCTCAGGGCCCCCAGCTGCCTGGAGGCCTTCCGGGACCCGCAGTTCCAGGGT[C>T]TTTTCCAATACCTGCTGCGCCCCAAGGCCAGTGGCGCCACTGAGAGGTACGGGGCCCTAG-3'
Protein context (NP_055670.1, residues 507-527): EAFRDPQFQG[Leu517Phe]FQYLLRPKAS

ClinVar aggregate classification (germline): Uncertain significance (1 of 4 stars; one submission).

Allele frequency attached by ClinVar (database versions not stated): ExAC 0.00007.

Submission:

GeneDx
Classification: Uncertain significance. Last evaluated: 2022-06-21. Review status: criteria provided, single submitter. Criteria: GeneDx Variant Classification Process June 2021. Collection method: clinical testing. Allele origin: germline. Affected: yes.
Comment: Not observed at significant frequency in large population cohorts (gnomAD); In silico analysis supports that this missense variant has a deleterious effect on protein structure/function; Has not been previously published as pathogenic or benign to our knowledge